The following is an entry in ClinVar:

NM_152564.5(VPS13B):c.2081TGG[1] (p.Val695del)

Gene: VPS13B (vacuolar protein sorting 13 homolog B; plus strand). Cytogenetic location: 8q22.2.
Variant type: Microsatellite.
Coding change: c.2081TGG[1] on transcript NM_152564.5 (MANE Select); one copy of the 3-base unit TGG starting at c.2081; the reference has two copies in a row; one copy, 3 bases deleted.
Protein change: p.Val695del; deletes valine 695.
Molecular consequence: inframe deletion.
Genome position (GRCh38, 1-based): chr8:99,156,619-99,156,621, TGG deleted; deleting any 3 consecutive bases within chr8:99,156,616-99,156,621 gives the same sequence; the position shown is the placement nearest the transcript's 3' end. VCF-style (leftmost placement, unchanged base first): chr8-99156615-TTGG-T. GRCh37 (hg19) VCF-style: chr8-100168843-TTGG-T.
Other names: c.2081TGG[1], p.Val695del (NM_015243.3, NM_017890.5); short protein forms V695del.
Identifiers: ClinVar variation 958746 (VCV000958746.6), dbSNP rs765610228, ClinGen allele CA4822827.

ClinVar aggregate classification (germline): Uncertain significance (1 of 4 stars; one submission).

Conditions:
Cohen syndrome (COH1). Also called: Cutis verticis gyrata, retinitis pigmentosa, and sensorineural deafness; PEPPER SYNDROME. Identifiers: Orphanet 193, MedGen C0265223, MONDO:0008999, OMIM 216550.

Submission:

Labcorp Genetics (formerly Invitae), Labcorp
Classification: Uncertain significance for Cohen syndrome. Last evaluated: 2021-08-26. Review status: criteria provided, single submitter. Criteria: Invitae Variant Classification Sherloc (09022015). Collection method: clinical testing. Allele origin: germline.
Comment: This variant, c.2084_2086del, results in the deletion of 1 amino acid(s) of the VPS13B protein (p.Val695del), but otherwise preserves the integrity of the reading frame. This variant is present in population databases (rs765610228, ExAC 0.001%). This variant has not been reported in the literature in individuals affected with VPS13B-related conditions. Experimental studies and prediction algorithms are not available or were not evaluated, and the functional significance of this variant is currently unknown. In summary, the available evidence is currently insufficient to determine the role of this variant in disease. Therefore, it has been classified as a Variant of Uncertain Significance.